The following is an entry in ClinVar:

NM_000388.4(CASR):c.329C>A (p.Ala110Asp)

Gene: CASR (calcium sensing receptor; plus strand). Cytogenetic location: 3q21.1.
Variant type: single nucleotide variant.
Coding change: c.329C>A on transcript NM_000388.4 (MANE Select); coding-DNA position 329, C replaced by A.
Protein change: p.Ala110Asp; replaces alanine 110 with aspartic acid.
Molecular consequence: missense variant.
Genome position (GRCh38, 1-based): chr3:122,257,224, C>A. VCF-style: chr3-122257224-C-A. GRCh37 (hg19) VCF-style: chr3-121976071-C-A.
Other names: c.329C>A, p.Ala110Asp (NM_001178065.2); short protein forms A110D.
Identifiers: ClinVar variation 585623 (VCV000585623.12), dbSNP rs1559956624, ClinGen allele CA354362660.

ClinVar aggregate classification (germline): Uncertain significance. Review status: criteria provided, multiple submitters, no conflicts (2 of 4 stars). 3 submissions from 3 submitters: Uncertain significance (3). Last evaluated 2025-12-10.

Conditions:
Autosomal dominant hypocalcemia 1 (HYPOC1). Also called: HYPOCALCEMIA, FAMILIAL. Identifiers: MedGen C3715128, MONDO:0011013, OMIM 601198.
Familial hypocalciuric hypercalcemia (FHH). Also called: Familial benign hypercalcemia. Identifiers: Orphanet 405, MedGen C1809471, MONDO:0018458.

Submissions (3):

Women's Health and Genetics/Laboratory Corporation of America, LabCorp
Classification: Uncertain significance. Last evaluated: 2025-12-10. Review status: criteria provided, single submitter. Criteria: LabCorp Variant Classification Summary - May 2015. Collection method: clinical testing. Allele origin: germline.
Comment: Variant summary: CASR c.329C>A (p.Ala110Asp) results in a non-conservative amino acid change in the encoded protein sequence. Algorithms developed to predict the effect of missense changes on protein structure and function all suggest that this variant is likely to be disruptive. The variant was absent in 251416 control chromosomes (gnomAD). c.329C>A has been observed in individuals affected with Familial Hypocalciuric Hypercalcemia (Arshad_2020, Bletsis_2022). These data indicate that the variant may be associated with disease. To our knowledge, no experimental evidence demonstrating an impact on protein function has been reported. The following publications have been ascertained in the context of this evaluation (PMID: 32892159, 39531485, 36189134). ClinVar contains an entry for this variant (Variation ID: 585623). Based on the evidence outlined above, the variant was classified as VUS-possibly pathogenic.

Athena Diagnostics
Classification: Uncertain significance. Last evaluated: 2022-03-02. Review status: criteria provided, single submitter. Criteria: Athena Diagnostics Criteria. Collection method: clinical testing. Allele origin: unknown.

Labcorp Genetics (formerly Invitae), Labcorp
Classification: Uncertain significance for Familial hypocalciuric hypercalcemia; Autosomal dominant hypocalcemia 1. Last evaluated: 2018-09-10. Review status: criteria provided, single submitter. Criteria: Invitae Variant Classification Sherloc (09022015). Collection method: clinical testing. Allele origin: germline.
Comment: In summary, the available evidence is currently insufficient to determine the role of this variant in disease. Therefore, it has been classified as a Variant of Uncertain Significance. Algorithms developed to predict the effect of missense changes on protein structure and function (SIFT, PolyPhen-2, Align-GVGD) all suggest that this variant is likely to be disruptive, but these predictions have not been confirmed by published functional studies and their clinical significance is uncertain. This variant has not been reported in the literature in individuals with CASR-related disease. This variant is not present in population databases (ExAC no frequency). This sequence change replaces alanine with aspartic acid at codon 110 of the CASR protein (p.Ala110Asp). The alanine residue is highly conserved and there is a moderate physicochemical difference between alanine and aspartic acid.

Literature cited by the submitters: PubMed 32892159 (cited by Women's Health and Genetics/Laboratory Corporation of America, LabCorp and Athena Diagnostics); PubMed 39531485 (cited by Women's Health and Genetics/Laboratory Corporation of America, LabCorp); PubMed 36189134 (cited by Women's Health and Genetics/Laboratory Corporation of America, LabCorp).